The following is an entry in ClinVar:

NM_005422.4(TECTA):c.2720del (p.Arg907fs)

Genes: TBCEL-TECTA (TBCEL-TECTA readthrough; plus strand), TECTA (tectorin alpha; plus strand), LOC126861365 (P300/CBP strongly-dependent group 1 enhancer GRCh37_chr11:121000154-121001353; plus strand). Cytogenetic location: 11q23.3.
Variant type: Deletion.
Coding change: c.2720del on transcript NM_005422.4 (MANE Select); coding-DNA position 2720, one base deleted (G; older notation c.2720delG).
Protein change: p.Arg907fs; shifts the reading frame from arginine 907.
Molecular consequence: frameshift variant.
Genome position (GRCh38, 1-based): chr11:121,129,990, G deleted. VCF-style (leftmost placement, unchanged base first): chr11-121129989-CG-C. GRCh37 (hg19) VCF-style: chr11-121000698-CG-C.
Other names: c.3677del, p.Arg1226fs (NM_001378761.1); short protein forms R1226fs, R907fs.
Identifiers: ClinVar variation 5002681 (VCV005002681.1).

ClinVar aggregate classification (germline): Likely pathogenic (1 of 4 stars; one submission).

Conditions:
Autosomal recessive nonsyndromic hearing loss 21. Identifiers: Orphanet 90636, MedGen C1863655, MONDO:0011351, OMIM 603629.

Submission:

OLLIN Analises Genomicas, OLLIN
Classification: Likely pathogenic for Autosomal recessive nonsyndromic hearing loss 21. Last evaluated: 2026-08-06. Review status: criteria provided, single submitter. Criteria: ACMG Guidelines 2015 PMID 25741868. Collection method: clinical testing. Allele origin: germline.
Comment: This frameshift variant, located in exon 10 (of 24), is absent from gnomAD and ClinVar and has not been identified in the literature. This variant causes a frameshift and introduces a premature stop codon, which is predicted to result in either a truncated protein or degradation of the mRNA via nonsense-mediated decay (NMD). According to the currently available evidence, this variant has been classified as likely pathogenic (PVS1, PM2_P).